The following is an entry in ClinVar:

NM_005159.5(ACTC1):c.890C>G (p.Ala297Gly)

Genes: ACTC1 (actin alpha cardiac muscle 1; minus strand), GJD2-DT (GJD2 divergent transcript; plus strand). Cytogenetic location: 15q14.
Variant type: single nucleotide variant.
Coding change: c.890C>G on transcript NM_005159.5 (MANE Select); coding-DNA position 890, C replaced by G.
Protein change: p.Ala297Gly; replaces alanine 297 with glycine.
Molecular consequence: missense variant.
Genome position (GRCh38, 1-based): chr15:34,791,214, G>C on the plus strand (C>G on the coding strand, the complement: ACTC1 is on the minus strand). VCF-style: chr15-34791214-G-C. GRCh37 (hg19) VCF-style: chr15-35083415-G-C.
Other names: c.890C>G, p.Ala297Gly (NM_001406482.1, NM_001406483.1); c.755C>G, p.Ala252Gly (NM_001406484.1); c.449C>G, p.Ala150Gly (NM_001406485.1); short protein forms A150G, A252G, A297G.
Identifiers: ClinVar variation 4531496 (VCV004531496.2).

ClinVar aggregate classification (germline): Uncertain significance (1 of 4 stars; one submission).

Conditions:
Hypertrophic cardiomyopathy 11. Also called: ACTC1-Related Familial Hypertrophic Cardiomyopathy. Identifiers: MedGen C2677506, MONDO:0012799, OMIM 612098.

Submission:

Victorian Clinical Genetics Services, Murdoch Childrens Research Institute
Classification: Uncertain significance for Hypertrophic cardiomyopathy 11. Last evaluated: 2026-02-24. Review status: criteria provided, single submitter. Criteria: ACMG Guidelines, 2015. Collection method: clinical testing. Allele origin: germline. Affected: yes.
Comment: This variant is classified as VUS-3A. Evidence in support of pathogenic classification: Variant is absent from gnomAD (v2, v3 and v4); Other missense variant(s) comparable to the one identified in this case have moderate previous evidence for pathogenicity. p.(Ala297Ser) has been classified as pathogenic by a clinical laboratory in ClinVar, and reported in the literature in multiple unrelated families (PMID: 10330430, 22563033, 28771489). Additionally, p.(Ala297Pro) has been classified as a VUS in ClinVar in a proband with syncope and inverted T-waves on ECG (GeneDx personal correspondence). - Missense variant in a region that is highly intolerant to missense variation (high constraint region in DECIPHER). Additional information: Variant is predicted to result in a missense amino acid change from alanine to glycine; This variant is heterozygous; This gene is associated with autosomal dominant disease; This variant has no previous evidence of pathogenicity; No published segregation evidence has been identified for this variant; No published functional evidence has been identified for this variant; Missense variant with inconclusive in silico prediction and uninformative conservation; The mechanism of disease for this gene is not clearly established. Missense variants have been described with both loss and gain of function properties (PMID: 29719515). However, the exact mechanism remains unclear.

Literature cited by the submitters: PubMed 28771489; PubMed 10330430; PubMed 22563033; PubMed 29719515.